The following is an entry in ClinVar:

ClinVar aggregate classification (germline): Uncertain significance (1 of 4 stars; one submission).

Conditions:
Brugada syndrome 8 (BRGDA8). Identifiers: Orphanet 130, MedGen C2751083, MONDO:0013148, OMIM 613123.

Submission:

Labcorp Genetics (formerly Invitae), Labcorp
Classification: Uncertain significance for Brugada syndrome 8. Last evaluated: 2023-06-16. Review status: criteria provided, single submitter. Criteria: Invitae Variant Classification Sherloc (09022015). Collection method: clinical testing. Allele origin: germline.
Comment: This variant has not been reported in the literature in individuals affected with HCN4-related conditions. In summary, the available evidence is currently insufficient to determine the role of this variant in disease. Therefore, it has been classified as a Variant of Uncertain Significance. Advanced modeling of protein sequence and biophysical properties (such as structural, functional, and spatial information, amino acid conservation, physicochemical variation, residue mobility, and thermodynamic stability) performed at Invitae indicates that this missense variant is not expected to disrupt HCN4 protein function. This variant is not present in population databases (gnomAD no frequency). This sequence change replaces serine, which is neutral and polar, with tryptophan, which is neutral and slightly polar, at codon 164 of the HCN4 protein (p.Ser164Trp).

NM_005477.3(HCN4):c.491C>G (p.Ser164Trp)

Gene: HCN4 (hyperpolarization activated cyclic nucleotide gated potassium channel 4; minus strand). Cytogenetic location: 15q24.1.
Variant type: single nucleotide variant.
Coding change: c.491C>G on transcript NM_005477.3 (MANE Select); coding-DNA position 491, C replaced by G.
Protein change: p.Ser164Trp; replaces serine 164 with tryptophan.
Molecular consequence: missense variant.
Genome position (GRCh38, 1-based): chr15:73,367,780, G>C on the plus strand (C>G on the coding strand, the complement: HCN4 is on the minus strand). VCF-style: chr15-73367780-G-C. GRCh37 (hg19) VCF-style: chr15-73660121-G-C.
Other names: short protein forms S164W.
Identifiers: ClinVar variation 2747170 (VCV002747170.3), dbSNP rs1214785817, ClinGen allele CA393097858.
Genomic context (GRCh38, chr15:73,367,780, plus strand): 5'-ACCGAGGGCTGCTCGCAGGAGGCGGAGGCCGGCTGCGGTGGCTGCTGGGGCGGCGGCGGC[G>C]AGGCTGCGGGCTGCGCCGAGGCGCCGGGGCGCTCGGGCTCGGCCGCCAGGCCTGGGGGCG-3'
Protein context (NP_005468.1, residues 154-174): RPGASAQPAA[Ser164Trp]PPPPQQPPQP